The following is an entry in ClinVar:

NM_002775.5(HTRA1):c.962C>G (p.Ala321Gly)

Gene: HTRA1 (HtrA serine peptidase 1; plus strand). Cytogenetic location: 10q26.13.
Variant type: single nucleotide variant.
Coding change: c.962C>G on transcript NM_002775.5 (MANE Select); coding-DNA position 962, C replaced by G.
Protein change: p.Ala321Gly; replaces alanine 321 with glycine.
Molecular consequence: missense variant.
Genome position (GRCh38, 1-based): chr10:122,506,875, C>G. VCF-style: chr10-122506875-C-G. GRCh37 (hg19) VCF-style: chr10-124266391-C-G.
Other names: short protein forms A321G.
Identifiers: ClinVar variation 4531422 (VCV004531422.1).
Genomic context (GRCh38, chr10:122,506,875, plus strand): 5'-AGCGAGGCGGCAAAGAGCTGGGGCTCCGCAACTCAGACATGGACTACATCCAGACCGACG[C>G]CATCATCAACGTGAGCCTCTGTCCCTCTGCGGGTGGGGATTGGGGCAGAGTTTTGCCAGG-3'
Protein context (NP_002766.1, residues 311-331): NSDMDYIQTD[Ala321Gly]IINYGNSGGP

ClinVar aggregate classification (germline): Uncertain significance (1 of 4 stars; one submission).

Conditions:
Cerebral arteriopathy, autosomal dominant, with subcortical infarcts and leukoencephalopathy, type 2 (CADASIL2). Identifiers: MedGen C4225211, MONDO:0014768, OMIM 616779.

gnomAD v4.1: 2 of 1,613,528 alleles (0.00012%); highest among the groups gnomAD compares: Non-Finnish European, 0.00017%; no homozygotes.

Submission:

Victorian Clinical Genetics Services, Murdoch Childrens Research Institute
Classification: Uncertain significance for Cerebral arteriopathy, autosomal dominant, with subcortical infarcts and leukoencephalopathy, type 2. Last evaluated: 2025-03-17. Review status: criteria provided, single submitter. Criteria: ACMG Guidelines, 2015. Collection method: clinical testing. Allele origin: germline. Affected: yes.
Comment: This variant is classified as VUS-3A. Evidence in support of pathogenic classification: Variant is present in gnomAD <0.01 (v4: 2 heterozygote(s), 0 homozygote(s)); This variant has moderate functional evidence supporting abnormal protein function. This variant was shown to strongly impair HTRA1 protease activity compared to wild-type (PMID: 39196222); Missense variant predicted to be damaging by in silico tool(s) or highly conserved with a major amino acid change. Additional information: Variant is predicted to result in a missense amino acid change from alanine to glycine; This variant is heterozygous; This gene is associated with both recessive and dominant disease. There is no clear correlation between genotype and mode of inheritance, with several variants reported to cause both forms of disease (PMID: 31316458, 32719647); Alternative amino acid change(s) at the same position are present in gnomAD (Highest allele count: v4: 72 heterozygote(s), 0 homozygote(s)); Previous evidence of pathogenicity for this variant is inconclusive. This variant has been reported in the literature; however, there is no phenotypic information provided (PMID: 39196222); No published segregation evidence has been identified for this variant; Another missense variant(s) comparable to the one identified in this case has inconclusive previous evidence for pathogenicity. p.(Ala321Thr) has been classified as a VUS by a clinical laboratory in ClinVar. It has also been reported in the literature in a heterozygous individual with cerebral small vessel disease and a compound heterozygous individual with CARASIL (PMID: 24500651, 33268848). p.(Ala321Pro) is listed in LOVD as likely pathogenic; however, no further information is known. - Variant is located in the annotated trypsin 2 domain (DECIPHER); Dominant negative and loss of function are known mechanisms of disease in this gene, and are associated with CARASIL syndrome (MIM#600142), as well as cerebral arteriopathy with subcortical infarcts and leukoencephalopathy, type 2 (MIM#616779) (PMID: 29895533, 19387015); Inheritance information for this variant is not currently available in this individual.

Literature cited by the submitters: PubMed 39196222; PubMed 31316458; PubMed 24500651; PubMed 19387015; PubMed 29895533; PubMed 32719647; PubMed 33268848.